The following is an entry in ClinVar:

ClinVar aggregate classification (germline): Likely benign (1 of 4 stars; one submission).

Conditions:
Lamb-Shaffer syndrome. Identifiers: Orphanet 313884, Orphanet 313892, Orphanet 530983, MedGen C4225202, MONDO:0014778, OMIM 616803.

gnomAD v4.1: 11 of 1,614,012 alleles (0.00068%); highest among the groups gnomAD compares: South Asian, 0.0011%; no homozygotes.

Submission:

Centre for Medical Genetics,  Mumbai
Classification: Likely benign for Lamb-Shaffer syndrome. Last evaluated: 2026-02-12. Review status: criteria provided, single submitter. Criteria: ACMG Guidelines, 2015. Collection method: provider interpretation. Allele origin: germline. Inheritance: Autosomal dominant inheritance. Affected: no. Observed: 1 heterozygote.
Comment: The variant satisfies PM2 criteria; Extremely low frequency in gnomAD population databases. The variant satisfies PP2 criteria; Missense variant in a gene with low rate of benign missense mutations and for which missense mutation is a common mechanism of a disease. However, the variant satisfies BS2 criteria.

Literature cited by the submitters: PubMed 22290657.

NM_006940.6(SOX5):c.2218G>A (p.Asp740Asn)

Gene: SOX5 (SRY-box transcription factor 5; minus strand). Cytogenetic location: 12p12.1.
Variant type: single nucleotide variant.
Coding change: c.2218G>A on transcript NM_006940.6 (MANE Select); coding-DNA position 2218, G replaced by A.
Protein change: p.Asp740Asn; replaces aspartic acid 740 with asparagine.
Molecular consequence: missense variant.
Genome position (GRCh38, 1-based): chr12:23,534,293, C>T on the plus strand (G>A on the coding strand, the complement: SOX5 is on the minus strand). VCF-style: chr12-23534293-C-T. GRCh37 (hg19) VCF-style: chr12-23687227-C-T.
Other names: c.1855G>A, p.Asp619Asn (NM_001261414.3); c.2188G>A, p.Asp730Asn (NM_001261415.3); c.2113G>A, p.Asp705Asn (NM_001330785.2); c.2179G>A, p.Asp727Asn (NM_152989.5); c.1060G>A, p.Asp354Asn (NM_178010.4); short protein forms D730N, D354N, D705N, D619N, D727N, D740N.
Identifiers: ClinVar variation 4795802 (VCV004795802.1).